The following is an entry in ClinVar:

NM_000371.4(TTR):c.325G>A (p.Glu109Lys)

Gene: TTR (transthyretin; plus strand). Cytogenetic location: 18q12.1.
Variant type: single nucleotide variant.
Coding change: c.325G>A on transcript NM_000371.4 (MANE Select); coding-DNA position 325, G replaced by A.
Protein change: p.Glu109Lys; replaces glutamic acid 109 with lysine.
Molecular consequence: missense variant.
Genome position (GRCh38, 1-based): chr18:31,595,244, G>A. VCF-style: chr18-31595244-G-A. GRCh37 (hg19) VCF-style: chr18-29175207-G-A.
Other names: c.325G>A (NM_000371.3); short protein forms E109K.
Identifiers: ClinVar variation 1073324 (VCV001073324.25), dbSNP rs121918082, ClinGen allele CA402157140.

ClinVar aggregate classification (germline): Pathogenic/Likely pathogenic. Review status: criteria provided, multiple submitters, no conflicts (2 of 4 stars). 8 submissions from 8 submitters: Pathogenic (4); Likely pathogenic (1). 3 of the submissions do not count toward it. Last evaluated 2025-12-19.

Conditions:
Cardiovascular phenotype. Identifiers: MedGen CN230736.
Amyloidosis, hereditary systemic 1 (AMYLD1). Also called: AMYLOID CARDIOMYOPATHY; Familial amyloid polyneuropathy; Transthyretin Amyloidosis; Hereditary oculoleptomeningeal amyloid angiopathy; Familial Transthyretin Amyloidosis; Isolated Cardiac Amyloidosis. Identifiers: Orphanet 85447, Orphanet 85451, MedGen C2751492, MONDO:0971004, OMIM 105210.

Allele frequency attached by ClinVar (database versions not stated): gnomAD exomes below 0.00001.
gnomAD v4.1: 1 of 1,614,186 alleles (0.000062%); highest among the groups gnomAD compares: Non-Finnish European, 0.000085%; no homozygotes.

Submissions (8):

Ambry Genetics
Classification: Pathogenic for Cardiovascular phenotype. Last evaluated: 2025-12-19. Review status: criteria provided, single submitter. Criteria: Ambry Variant Classification Scheme 2023. Collection method: clinical testing. Allele origin: germline.
Comment: The p.E109K pathogenic mutation (also known as c.325G>A), located in coding exon 3 of the TTR gene, results from a G to A substitution at nucleotide position 325. The glutamic acid at codon 109 is replaced by lysine, an amino acid with similar properties. This variant was identified in one or more individuals with features consistent with hereditary transthyretin-related amyloidosis and segregated with disease in at least one family (Barreiros AP, et al. Liver Transpl. 2010;16(3):314-23; Rapezzi C, et al. Eur. Heart J. 2013;34(7):520-8; Jang MA et al. Ann Hum Genet, 2015 Mar;79:99-107; Choi K et al. J Clin Neurol. 2018 Oct;14(4):537-541; Gawor M et al. Cardiol J, 2020 Aug). Note, this variant is also referred to as E89K in the literature. Other variant(s) at the same codon, p.E109Q (c.325G>C), have been identified in individual(s) with features consistent with hereditary transthyretin-related amyloidosis (Coelho T, et al. Curr Med Res Opin. 2013;29(1):63-76; Rapezzi C, et al. Eur Heart J. 2013;34(7):520-8). This amino acid position is highly conserved in available vertebrate species. In addition, this alteration is predicted to be deleterious by in silico analysis. This variant is considered to be rare based on population cohorts in the Genome Aggregation Database (gnomAD). Based on the supporting evidence, this variant is interpreted as a disease-causing mutation.

Labcorp Genetics (formerly Invitae), Labcorp
Classification: Pathogenic for Amyloidosis, hereditary systemic 1. Last evaluated: 2024-12-27. Review status: criteria provided, single submitter. Criteria: Invitae Variant Classification Sherloc (09022015). Collection method: clinical testing. Allele origin: germline.
Comment: This sequence change replaces glutamic acid, which is acidic and polar, with lysine, which is basic and polar, at codon 109 of the TTR protein (p.Glu109Lys). This variant is not present in population databases (gnomAD no frequency). This missense change has been observed in individual(s) with hereditary transthyretin-mediated amyloidosis (hATTR amyloidosis) (PMID: 10842705, 20209591, 25644864, 26428663, 28911993). This variant is also known as Glu89Lys. ClinVar contains an entry for this variant (Variation ID: 1073324). Invitae Evidence Modeling of protein sequence and biophysical properties (such as structural, functional, and spatial information, amino acid conservation, physicochemical variation, residue mobility, and thermodynamic stability) indicates that this missense variant is expected to disrupt TTR protein function with a positive predictive value of 95%. This variant disrupts the p.Glu109 amino acid residue in TTR. Other variant(s) that disrupt this residue have been determined to be pathogenic (PMID: 1301926, 28635949). This suggests that this residue is clinically significant, and that variants that disrupt this residue are likely to be disease-causing. For these reasons, this variant has been classified as Pathogenic.

3billion
Classification: Pathogenic for Amyloidosis, hereditary systemic 1. Last evaluated: 2024-03-12. Review status: criteria provided, single submitter. Criteria: ACMG Guidelines, 2015. Collection method: clinical testing. Allele origin: germline. Affected: yes.
Comment: The variant is not observed in the gnomAD v2.1.1 dataset. Predicted Consequence/Location: Missense changes are a common disease-causing mechanism. In silico tool predictions suggest damaging effect of the variant on gene or gene product [REVEL: 0.77 (>=0.6, sensitivity 0.68 and specificity 0.92); 3Cnet: 0.63 (>=0.6, sensitivity 0.72 and precision 0.9)]. Same nucleotide change resulting in same amino acid change has been previously reported as pathogenic/likely pathogenic with strong evidence (ClinVar ID: VCV001073324 /PMID: 10842705 /3billion dataset). Different missense changes at the same codon (p.Glu109Asp, p.Glu109Gln, p.Glu109Val) has been reported as pathogenic/likely pathogenic with strong evidence (ClinVar ID: VCV000013442, VCV000846359 /PMID: 1301926, 31139689). Therefore, this variant is classified as Pathogenic according to the recommendation of ACMG/AMP guideline.

Mendelics
Classification: Pathogenic for Amyloidosis, hereditary systemic 1. Last evaluated: 2022-05-04. Review status: criteria provided, single submitter. Criteria: Mendelics Assertion Criteria 2019. Collection method: clinical testing. Allele origin: germline.

ARUP Laboratories, Molecular Genetics and Genomics, ARUP Laboratories
Classification: Likely pathogenic. Last evaluated: 2021-11-02. Review status: criteria provided, single submitter. Criteria: ARUP Molecular Germline Variant Investigation Process 2021. Collection method: clinical testing. Allele origin: germline.
Comment: The TTR c.325G>A; p.Glu109Lys variant, also known as p.Glu89Lys, is reported in the literature in multiple individuals affected with hereditary transthyretin amyloidosis (ATTR, Nakamura 2000, Reynolds 2017, Rapezzi 2013, Suhr 2016). This variant is also reported in ClinVar (Variation ID: 1073324) and is absent from the Genome Aggregation Database, indicating it is not a common polymorphism. Additionally, other variants at this codon (c.325G>C, p.Glu109Lys; c.327G>T, p.Glu109Asp) have been reported in individuals with ATTR and are considered pathogenic (Chao 2019, Reynolds 2017). The glutamic acid at codon 109 is moderately conserved, and computational analyses predict that this variant is deleterious (REVEL: 0.767). Based on available information, this variant is considered to be likely pathogenic. References: Chao HC et al. Clinical and genetic profiles of hereditary transthyretin amyloidosis in Taiwan. Ann Clin Transl Neurol. 2019 Apr 9;6(5):913-922. PMID: 31139689. Nakamura M et al. A novel variant of transthyretin (Glu89Lys) associated with familial amyloidotic polyneuropathy. Amyloid. 2000 Mar;7(1):46-50. PMID: 10842705. Reynolds MM et al. Ocular Manifestations of Familial Transthyretin Amyloidosis. Am J Ophthalmol. 2017 Nov;183:156-162. PMID: 28911993. Rapezzi C et al. Disease profile and differential diagnosis of hereditary transthyretin-related amyloidosis with exclusively cardiac phenotype: an Italian perspective. Eur Heart J. 2013 Feb;34(7):520-8. PMID: 22745357. Suhr OB et al. Survival After Transplantation in Patients With Mutations Other Than Val30Met: Extracts From the FAP World Transplant Registry. Transplantation. 2016 Feb;100(2):373-81. PMID: 26656838.

Molecular Genetics Laboratory, BC Children's and BC Women's Hospitals
Classification: Likely pathogenic for Amyloidosis, hereditary systemic 1. Last evaluated: 2025-12-19. Review status: no assertion criteria provided. Criteria: ACMG Guidelines, 2015. Collection method: clinical testing. Allele origin: germline. Affected: yes. Not counted in ClinVar's aggregate classification.

Clinical Genetics DNA and cytogenetics Diagnostics Lab, Erasmus MC, Erasmus Medical Center
Classification: Likely pathogenic. Review status: no assertion criteria provided. Collection method: clinical testing. Allele origin: germline. Affected: yes. Study: VKGL Data-share Consensus. Not counted in ClinVar's aggregate classification.

Diagnostic Laboratory, Department of Genetics, University Medical Center Groningen
Classification: Pathogenic. Review status: no assertion criteria provided. Collection method: clinical testing. Allele origin: germline. Affected: yes. Study: VKGL Data-share Consensus. Not counted in ClinVar's aggregate classification.

Literature cited by the submitters: PubMed 20209591 (cited by Ambry Genetics and Labcorp Genetics (formerly Invitae), Labcorp); PubMed 22745357 (cited by Ambry Genetics); PubMed 25644864 (cited by Ambry Genetics and Labcorp Genetics (formerly Invitae), Labcorp); PubMed 30198232 (cited by Ambry Genetics); PubMed 32789836 (cited by Ambry Genetics); PubMed 10842705 (cited by Labcorp Genetics (formerly Invitae), Labcorp and 3billion); PubMed 26428663 (cited by Labcorp Genetics (formerly Invitae), Labcorp); PubMed 28911993 (cited by Labcorp Genetics (formerly Invitae), Labcorp); PubMed 1301926 (cited by Labcorp Genetics (formerly Invitae), Labcorp and 3billion); PubMed 28635949 (cited by Labcorp Genetics (formerly Invitae), Labcorp).